The following is an entry in ClinVar:

NM_000038.6(APC):c.176C>G (p.Ala59Gly)

Gene: APC (APC regulator of Wnt signaling pathway; plus strand). Cytogenetic location: 5q22.2.
Variant type: single nucleotide variant.
Coding change: c.176C>G on transcript NM_000038.6 (MANE Select); coding-DNA position 176, C replaced by G.
Protein change: p.Ala59Gly; replaces alanine 59 with glycine.
Molecular consequence: missense variant. On other transcripts: 5 prime UTR variant (8), non-coding transcript variant (2).
Genome position (GRCh38, 1-based): chr5:112,766,366, C>G. VCF-style: chr5-112766366-C-G. GRCh37 (hg19) VCF-style: chr5-112102063-C-G.
Other names: c.-860C>G (NM_001407470.1, NM_001407471.1, NM_001407472.1 and 1 more transcripts); c.176C>G, p.Ala59Gly (NM_001127510.3, NM_001354895.2, NM_001354896.2 and 16 more transcripts); c.206C>G, p.Ala69Gly (NM_001127511.3, NM_001354897.2, NM_001354902.2 and 1 more transcripts); c.101C>G, p.Ala34Gly (NM_001354898.2, NM_001354904.2, NM_001407451.1); c.-2C>G (NM_001354900.2, NM_001354901.2, NM_001354905.2 and 1 more transcripts); short protein forms A69G, A59G, A34G.
Identifiers: ClinVar variation 1517323 (VCV001517323.11), dbSNP rs2149784325, ClinGen allele CA16021733.
Genomic context (GRCh38, chr5:112,766,366, plus strand): 5'-TATTGTGTTCTTTTTAACAGGAAGTACTTAAACAACTACAAGGAAGTATTGAAGATGAAG[C>G]TATGGCTTCTTCTGGACAGATTGATTTATTAGAGCGTCTTAAAGGTAGATTTTAAAAAGG-3'
Protein context (NP_000029.2, residues 49-69): KQLQGSIEDE[Ala59Gly]MASSGQIDLL

ClinVar aggregate classification (germline): Uncertain significance. Review status: criteria provided, multiple submitters, no conflicts (2 of 4 stars). 2 submissions from 2 submitters: Uncertain significance (2). Last evaluated 2025-12-04.

Conditions:
Hereditary cancer-predisposing syndrome. Also called: Tumor predisposition; Neoplastic Syndromes, Hereditary; Hereditary neoplastic syndrome; Hereditary Cancer Syndrome. Identifiers: Orphanet 140162, MedGen C0027672, MeSH D009386, MONDO:0015356.
Familial adenomatous polyposis 1 (FAP1). Also called: FAMILIAL ADENOMATOUS POLYPOSIS 1, ATTENUATED; POLYPOSIS, ADENOMATOUS INTESTINAL. Identifiers: MedGen C2713442, MONDO:0021056, OMIM 175100. Disease mechanism: loss of function.

Submissions (2):

Ambry Genetics
Classification: Uncertain significance for Hereditary cancer-predisposing syndrome. Last evaluated: 2025-12-04. Review status: criteria provided, single submitter. Criteria: Ambry Variant Classification Scheme 2023. Collection method: clinical testing. Allele origin: germline.
Comment: The c.176C>G variant (also known as p.A59G), located in coding exon 2 of the APC gene, results from a C to G substitution at nucleotide position 176. The alanine at codon 59 is replaced by glycine, an amino acid with similar properties. This nucleotide position is highly conserved in available vertebrate species. In silico splice site analysis predicts that this alteration will result in the creation or strengthening of a novel splice donor site. RNA studies have demonstrated that this alteration results in a transcript predicted to lead to a protein with an in-frame deletion of 15 amino acids; however, the exact functional impact of the deleted amino acids is unknown at this time (Ambry internal data). Based on the available evidence, the clinical significance of this variant remains unclear.

Labcorp Genetics (formerly Invitae), Labcorp
Classification: Uncertain significance for Familial adenomatous polyposis 1. Last evaluated: 2022-03-21. Review status: criteria provided, single submitter. Criteria: Invitae Variant Classification Sherloc (09022015). Collection method: clinical testing. Allele origin: germline.
Comment: This sequence change replaces alanine, which is neutral and non-polar, with glycine, which is neutral and non-polar, at codon 59 of the APC protein (p.Ala59Gly). This variant is not present in population databases (gnomAD no frequency). In summary, the available evidence is currently insufficient to determine the role of this variant in disease. Therefore, it has been classified as a Variant of Uncertain Significance. Algorithms developed to predict the effect of sequence changes on RNA splicing suggest that this variant may disrupt the consensus splice site. Algorithms developed to predict the effect of missense changes on protein structure and function are either unavailable or do not agree on the potential impact of this missense change (SIFT: "Deleterious"; PolyPhen-2: "Benign"; Align-GVGD: "Class C0"). This variant has not been reported in the literature in individuals affected with APC-related conditions.